The following is an entry in ClinVar:

ClinVar aggregate classification (germline): Conflicting classifications of pathogenicity. Review status: criteria provided, conflicting classifications (1 of 4 stars). 3 submissions from 3 submitters: Uncertain significance (1); Likely benign (1). 1 of the submissions does not count toward it. Last evaluated 2022-08-08.

Conditions:
CEP290-related disorder. Also called: CEP290-related condition; CEP290-related disorders. Identifiers: MedGen CN239314.

Allele frequency attached by ClinVar (database versions not stated): gnomAD exomes below 0.00001 and 0.00001; ExAC 0.00003.
gnomAD v4.1: 9 of 1,589,632 alleles (0.00057%); highest among the groups gnomAD compares: African/African-American, 0.0014%; no homozygotes.

Submissions (3):

Blueprint Genetics
Classification: Likely benign. Last evaluated: 2022-08-08. Review status: criteria provided, single submitter. Criteria: ACMG Guidelines, 2015. Collection method: clinical testing. Allele origin: germline.

CeGaT Center for Human Genetics Tuebingen
Classification: Uncertain significance. Last evaluated: 2017-11-01. Review status: criteria provided, single submitter. Criteria: CeGaT Center For Human Genetics Tuebingen Variant Classification Criteria Version 2. Collection method: clinical testing. Allele origin: germline. Affected: yes. Observed: 1 variant allele.

PreventionGenetics, part of Exact Sciences
Classification: Likely benign for CEP290-related condition. Last evaluated: 2024-07-10. Review status: no assertion criteria provided. Collection method: clinical testing. Allele origin: germline. Not counted in ClinVar's aggregate classification.
Comment: This variant is classified as likely benign based on ACMG/AMP sequence variant interpretation guidelines (Richards et al. 2015 PMID: 25741868, with internal and published modifications).

NM_025114.4(CEP290):c.2817+4C>T

Gene: CEP290 (centrosomal protein 290; minus strand). Cytogenetic location: 12q21.32.
Variant type: single nucleotide variant.
Coding change: c.2817+4C>T on transcript NM_025114.4 (MANE Select); 4 bases into the intron after coding-DNA position 2817, C replaced by T.
Molecular consequence: intron variant.
Genome position (GRCh38, 1-based): chr12:88,106,671, G>A on the plus strand (C>T on the coding strand, the complement: CEP290 is on the minus strand). VCF-style: chr12-88106671-G-A. GRCh37 (hg19) VCF-style: chr12-88500448-G-A.
Other names: c.2817+4C>T (NM_025114.3).
Identifiers: ClinVar variation 493120 (VCV000493120.44), dbSNP rs768895932, ClinGen allele CA6712270.
Genomic context (GRCh38, chr12:88,106,671, plus strand): 5'-TCCTATCTTCTGCATATTTGAAATTTTTCATAGTCAGAAAAAGCAAAATAAGAATCAGAT[G>A]TACCTTAAATCTTTGCAAACACCCAATTTTTTCACAAACTTCAGCCTCCATTGACAACAA-3'